The following is an entry in ClinVar:

NM_006118.4(HAX1):c.11T>C (p.Phe4Ser)

Gene: HAX1 (HCLS1 associated protein X-1; plus strand). Cytogenetic location: 1q21.3.
Variant type: single nucleotide variant.
Coding change: c.11T>C on transcript NM_006118.4 (MANE Select); coding-DNA position 11, T replaced by C.
Protein change: p.Phe4Ser; replaces phenylalanine 4 with serine.
Molecular consequence: missense variant.
Genome position (GRCh38, 1-based): chr1:154,272,734, T>C. VCF-style: chr1-154272734-T-C. GRCh37 (hg19) VCF-style: chr1-154245210-T-C.
Other names: c.11T>C, p.Phe4Ser (NM_001018837.2); short protein forms F4S.
Identifiers: ClinVar variation 651979 (VCV000651979.13), dbSNP rs780614125, ClinGen allele CA1127206.

ClinVar aggregate classification (germline): Uncertain significance. Review status: criteria provided, multiple submitters, no conflicts (2 of 4 stars). 5 submissions from 5 submitters: Uncertain significance (4). 1 of the submissions does not count toward it. Last evaluated 2025-10-02.

Conditions:
Kostmann syndrome (SCN3). Also called: KOSTMANN DISEASE; Autosomal recessive severe congenital neutropenia type 3. Identifiers: Orphanet 99749, MedGen C5235141, MONDO:0012548, OMIM 610738.
Inborn genetic diseases. Identifiers: MedGen C0950123, MeSH D030342.

Allele frequency attached by ClinVar (database versions not stated): gnomAD exomes 0.00002; ExAC 0.00003.

Submissions (5):

Ambry Genetics
Classification: Uncertain significance for Inborn genetic diseases. Last evaluated: 2025-10-02. Review status: criteria provided, single submitter. Criteria: Ambry Variant Classification Scheme 2023. Collection method: clinical testing. Allele origin: germline.

Fulgent Genetics
Classification: Uncertain significance for Kostmann syndrome. Last evaluated: 2022-04-14. Review status: criteria provided, single submitter. Criteria: ACMG Guidelines, 2015. Collection method: clinical testing. Allele origin: unknown.

Mayo Clinic Laboratories, Mayo Clinic
Classification: Uncertain significance. Last evaluated: 2019-06-17. Review status: criteria provided, single submitter. Criteria: ACMG Guidelines, 2015. Collection method: clinical testing. Allele origin: germline. Observed: 1 variant allele.

Labcorp Genetics (formerly Invitae), Labcorp
Classification: Uncertain significance for Kostmann syndrome. Last evaluated: 2018-07-19. Review status: criteria provided, single submitter. Criteria: Invitae Variant Classification Sherloc (09022015). Collection method: clinical testing. Allele origin: germline.
Comment: This sequence change replaces phenylalanine with serine at codon 4 of the HAX1 protein (p.Phe4Ser). The phenylalanine residue is moderately conserved and there is a large physicochemical difference between phenylalanine and serine. This variant is present in population databases (rs780614125, ExAC 0.01%). This variant has not been reported in the literature in individuals with HAX1-related disease. Algorithms developed to predict the effect of missense changes on protein structure and function are either unavailable or do not agree on the potential impact of this missense change (SIFT: "Deleterious"; PolyPhen-2: "Benign"; Align-GVGD: "Class C0"). In summary, the available evidence is currently insufficient to determine the role of this variant in disease. Therefore, it has been classified as a Variant of Uncertain Significance.

Natera, Inc.
Classification: Uncertain significance for Autosomal recessive severe congenital neutropenia type 3. Last evaluated: 2020-02-12. Review status: no assertion criteria provided. Collection method: clinical testing. Allele origin: germline. Not counted in ClinVar's aggregate classification.